The following is an entry in ClinVar:

ClinVar aggregate classification (germline): Conflicting classifications of pathogenicity. Review status: criteria provided, conflicting classifications (1 of 4 stars). 2 submissions from 2 submitters: Uncertain significance (1); Likely benign (1). Last evaluated 2026-02-12.

Conditions:
Hereditary breast ovarian cancer syndrome. Also called: Hereditary breast and ovarian cancer syndrome (HBOC); BRCA1- and BRCA2-Associated Hereditary Breast and Ovarian Cancer; Hereditary breast and/or ovarian cancer syndrome; Hereditary breast and ovarian cancer syndrome; Hereditary breast and ovarian cancer; Breast and ovarian cancer. Identifiers: Orphanet 145, MedGen C0677776, MeSH D061325, MONDO:0003582. Disease mechanism: loss of function.
Hereditary cancer-predisposing syndrome. Also called: Neoplastic Syndromes, Hereditary; Hereditary neoplastic syndrome; Tumor predisposition; Hereditary Cancer Syndrome. Identifiers: Orphanet 140162, MedGen C0027672, MeSH D009386, MONDO:0015356.

Submissions (3):

Ambry Genetics
Classification: Likely benign for Hereditary cancer-predisposing syndrome. Last evaluated: 2026-02-12. Review status: criteria provided, single submitter. Criteria: Ambry Variant Classification Scheme 2023. Collection method: clinical testing. Allele origin: germline.

Labcorp Genetics (formerly Invitae), Labcorp
Classification: Uncertain significance for Hereditary breast ovarian cancer syndrome. Last evaluated: 2025-01-11. Review status: criteria provided, single submitter. Criteria: Invitae Variant Classification Sherloc (09022015). Collection method: clinical testing. Allele origin: germline.
Comment: This sequence change falls in intron 3 of the BRCA1 gene. It does not directly change the encoded amino acid sequence of the BRCA1 protein. It affects a nucleotide within the consensus splice site. This variant is not present in population databases (gnomAD no frequency). This variant has not been reported in the literature in individuals affected with BRCA1-related conditions. ClinVar contains an entry for this variant (Variation ID: 441373). Variants that disrupt the consensus splice site are a relatively common cause of aberrant splicing (PMID: 17576681, 9536098). Algorithms developed to predict the effect of sequence changes on RNA splicing suggest that this variant is not likely to affect RNA splicing. In summary, the available evidence is currently insufficient to determine the role of this variant in disease. Therefore, it has been classified as a Variant of Uncertain Significance.

Brotman Baty Institute, University of Washington
No classification provided (evidence only). Condition: Breast-ovarian cancer, familial 1. Review status: no classification provided. Collection method: in vitro. Allele origin: not applicable. Functional consequence: functionally_normal. Not counted in ClinVar's aggregate classification.
ClinVar note: "not provided" was previously submitted as the classification for the variant. However, the classification appeared to be based only on an observation of functional data so it was converted to no classification on 2025-07-30.

Literature cited by the submitters: PubMed 30209399 (cited by Ambry Genetics); PubMed 17576681 (cited by Labcorp Genetics (formerly Invitae), Labcorp); PubMed 9536098 (cited by Labcorp Genetics (formerly Invitae), Labcorp).

NM_007294.4(BRCA1):c.134+4A>C

Gene: BRCA1 (BRCA1 DNA repair associated; minus strand). Cytogenetic location: 17q21.31.
Variant type: single nucleotide variant.
Coding change: c.134+4A>C on transcript NM_007294.4 (MANE Select); 4 bases into the intron after coding-DNA position 134, A replaced by C.
Molecular consequence: intron variant.
Genome position (GRCh38, 1-based): chr17:43,115,722, T>G on the plus strand (A>C on the coding strand, the complement: BRCA1 is on the minus strand). VCF-style: chr17-43115722-T-G. GRCh37 (hg19) VCF-style: chr17-41267739-T-G.
Other names: c.134+4A>C (NM_001408473.1, NM_001408399.1, NM_001407984.1 and 191 more transcripts); c.-286+4A>C (NM_001407965.1); c.-124+4A>C (NM_001407930.1, NM_001407843.1, NM_001408456.1 and 13 more transcripts); c.-128+4A>C (NM_001408465.1, NM_001407695.1); c.-55+4A>C (NM_001408482.1, NM_001407954.1, NM_001407896.1 and 52 more transcripts); c.-8+4A>C (NM_001407920.1, NM_001408504.1, NM_001408463.1 and 47 more transcripts); c.-8+5836A>C (NM_001407751.1, NM_001407726.1); c.-171+4A>C (NM_001407900.1, NM_001408492.1, NM_001407889.1); and 10 more.
Identifiers: ClinVar variation 441373 (VCV000441373.11), dbSNP rs1555599189, ClinGen allele CA658653692.